The following is an entry in ClinVar:

ClinVar aggregate classification (germline): Pathogenic (0 of 4 stars; one submission).

Conditions:
Cleidocranial dysostosis (CLCD1). Also called: Marie-Sainton disease; cleidocranial dysplasia 1; Cleidocranial Dysplasia Spectrum Disorder. Identifiers: Orphanet 1452, MedGen C0008928, MONDO:0007340, OMIM 119600.

Submission:

Istanbul Faculty of Medicine, Istanbul University
Classification: Pathogenic for Cleidocranial dysplasia. Last evaluated: 2020-08-28. Review status: no assertion criteria provided. Collection method: clinical testing. Allele origin: unknown, germline. Affected: yes. Observed: 4 variant alleles.
Comment: Identified in four affecteds in a family

Literature cited by the submitters: PubMed 33987976.

NM_001024630.4(RUNX2):c.636dup (p.Tyr213fs)

Gene: RUNX2 (RUNX family transcription factor 2; plus strand). Cytogenetic location: 6p21.1.
Variant type: Duplication.
Coding change: c.636dup on transcript NM_001024630.4 (MANE Select); coding-DNA position 636, one base duplicated (C; older notation c.636dupC).
Protein change: p.Tyr213fs; shifts the reading frame from tyrosine 213.
Molecular consequence: frameshift variant.
Genome position (GRCh38, 1-based): chr6:45,438,002, C duplicated; the last of 2 consecutive C bases (chr6:45,438,001-45,438,002); duplicating either gives the same sequence. VCF-style (leftmost placement, unchanged base first): chr6-45438000-A-AC. GRCh37 (hg19) VCF-style: chr6-45405737-A-AC.
Other names: c.636_637insC (NM_001024630.4); c.636dup, p.Tyr213fs (NM_001015051.4); c.594dup, p.Tyr199fs (NM_001278478.2, NM_001369405.1); short protein forms Y199fs, Y213fs.
Identifiers: ClinVar variation 978698 (VCV000978698.3), dbSNP rs1798735440, ClinGen allele CA1625444612.
Genomic context (GRCh38, chr6:45,438,000, plus strand): 5'-TCTGCAGGCAAGAGTTTCACCTTGACCATAACCGTCTTCACAAATCCTCCCCAAGTAGCT[A>AC]CCTATCACAGAGCAATTAAAGTTACAGTAGATGGACCTCGGGAACCCAGAAGTAAGTACT-3'